The following is an entry in ClinVar:

NM_022098.4(XPNPEP3):c.64+3476C>G

Genes: DNAJB7 (DnaJ heat shock protein family (Hsp40) member B7; minus strand), XPNPEP3 (X-prolyl aminopeptidase 3; plus strand). Cytogenetic location: 22q13.2.
Variant type: single nucleotide variant.
Coding change: c.64+3476C>G on transcript NM_022098.4 (MANE Select); 3476 bases into the intron after coding-DNA position 64, C replaced by G.
Molecular consequence: intron variant. On other transcripts: 3 prime UTR variant (1), synonymous variant (1).
Genome position (GRCh38, 1-based): chr22:40,860,721, C>G. VCF-style: chr22-40860721-C-G. GRCh37 (hg19) VCF-style: chr22-41256725-C-G.
Other names: c.*344G>C (NM_145174.2); c.108C>G, p.Pro36= (NM_001204827.2).
Identifiers: ClinVar variation 4872052 (VCV004872052.2).

ClinVar aggregate classification (germline): Likely benign (1 of 4 stars; one submission).

gnomAD v4.1: 116 of 901,362 alleles (0.013%); highest among the groups gnomAD compares: African/African-American, 0.17%; no homozygotes.

Submission:

CeGaT Center for Human Genetics Tuebingen
Classification: Likely benign. Last evaluated: 2026-05-01. Review status: criteria provided, single submitter. Criteria: CeGaT Center For Human Genetics Tuebingen Variant Classification Criteria Version 2. Collection method: clinical testing. Allele origin: germline. Affected: yes. Observed: 1 variant allele.
Comment: XPNPEP3: BP4, BP7